The following is an entry in ClinVar:

NM_002303.6(LEPR):c.3423C>T (p.Tyr1141=)

Gene: LEPR (leptin receptor; plus strand). Cytogenetic location: 1p31.3.
Variant type: single nucleotide variant.
Coding change: c.3423C>T on transcript NM_002303.6 (MANE Select); coding-DNA position 3423, C replaced by T.
Protein change: p.Tyr1141=; no amino-acid change (tyrosine 1141 retained).
Molecular consequence: synonymous variant.
Genome position (GRCh38, 1-based): chr1:65,636,940, C>T. VCF-style: chr1-65636940-C-T. GRCh37 (hg19) VCF-style: chr1-66102623-C-T.
Identifiers: ClinVar variation 36467 (VCV000036467.11), dbSNP rs193922651, ClinGen allele CA214130.

ClinVar aggregate classification (germline): Benign/Likely benign. Review status: criteria provided, multiple submitters, no conflicts (2 of 4 stars). 4 submissions from 4 submitters: Benign (1); Likely benign (3). Last evaluated 2026-06-12.

Conditions:
LEPR-related disorder. Also called: LEPR-related condition; LEPR-related disorders.
Obesity. Also called: Obesity disorder. Identifiers: Orphanet 71529, MedGen C0028754, MeSH D009765, MONDO:0011122, HP:0001513.

Allele frequency attached by ClinVar (database versions not stated): gnomAD 0.00013 and 0.00014; TOPMed 0.00016; ExAC 0.00010; gnomAD exomes 0.00016.
gnomAD v4.1: 175 of 1,609,144 alleles (0.011%); highest among the groups gnomAD compares: African/African-American, 0.051%; 1 homozygote.

Submissions (4):

PreventionGenetics, part of Exact Sciences
Classification: Likely benign for LEPR-related condition. Last evaluated: 2026-06-12. Review status: criteria provided, single submitter. Criteria: ACMG Guidelines, 2015. Collection method: clinical testing. Allele origin: germline.
Comment: This variant is classified as likely benign based on ACMG/AMP sequence variant interpretation guidelines (Richards et al. 2015 PMID: 25741868, with internal and published modifications).

Labcorp Genetics (formerly Invitae), Labcorp
Classification: Benign. Last evaluated: 2025-04-28. Review status: criteria provided, single submitter. Criteria: Invitae Variant Classification Sherloc (09022015). Collection method: clinical testing. Allele origin: germline.

Blueprint Genetics
Classification: Likely benign. Last evaluated: 2024-02-29. Review status: criteria provided, single submitter. Criteria: ACMG Guidelines, 2015. Collection method: clinical testing. Allele origin: germline.

Women's Health and Genetics/Laboratory Corporation of America, LabCorp
Classification: Likely benign for Early Onset Obesity. Last evaluated: 2011-08-18. Review status: criteria provided, single submitter. Criteria: LabCorp Variant Classification Summary - May 2015. Collection method: curation, clinical testing. Allele origin: germline. Inheritance: autosomal unknown. Affected: yes.
ClinVar note: Converted during submission from likely benign to Likely benign.